The following is an entry in ClinVar:

ClinVar aggregate classification (germline): Uncertain significance. Review status: criteria provided, multiple submitters, no conflicts (2 of 4 stars). 2 submissions from 2 submitters: Uncertain significance (2). Last evaluated 2024-05-17.

Conditions:
Renal dysplasia, cystic, susceptibility to. Identifiers: MedGen C3275898, MONDO:0011037, OMIM 601331.

Allele frequency attached by ClinVar (database versions not stated): TOPMed below 0.00001; ExAC 0.00001.
gnomAD v4.1: 8 of 1,613,566 alleles (0.0005%); highest among the groups gnomAD compares: South Asian, 0.0033%; no homozygotes.

Submissions (2):

Fulgent Genetics
Classification: Uncertain significance for Renal dysplasia, cystic, susceptibility to. Last evaluated: 2024-05-17. Review status: criteria provided, single submitter. Criteria: ACMG Guidelines, 2015. Collection method: clinical testing. Allele origin: germline.

Labcorp Genetics (formerly Invitae), Labcorp
Classification: Uncertain significance. Last evaluated: 2021-12-25. Review status: criteria provided, single submitter. Criteria: Invitae Variant Classification Sherloc (09022015). Collection method: clinical testing. Allele origin: germline.
Comment: In summary, the available evidence is currently insufficient to determine the role of this variant in disease. Therefore, it has been classified as a Variant of Uncertain Significance. Algorithms developed to predict the effect of missense changes on protein structure and function are either unavailable or do not agree on the potential impact of this missense change (SIFT: "Tolerated"; PolyPhen-2: "Possibly Damaging"; Align-GVGD: "Class C0"). This variant has not been reported in the literature in individuals affected with BICC1-related conditions. This variant is present in population databases (rs760408201, gnomAD 0.003%). This sequence change replaces methionine, which is neutral and non-polar, with valine, which is neutral and non-polar, at codon 855 of the BICC1 protein (p.Met855Val).

NM_001080512.3(BICC1):c.2563A>G (p.Met855Val)

Gene: BICC1 (BicC family RNA binding protein 1; plus strand). Cytogenetic location: 10q21.1.
Variant type: single nucleotide variant.
Coding change: c.2563A>G on transcript NM_001080512.3 (MANE Select); coding-DNA position 2563, A replaced by G.
Protein change: p.Met855Val; replaces methionine 855 with valine.
Molecular consequence: missense variant.
Genome position (GRCh38, 1-based): chr10:58,817,591, A>G. VCF-style: chr10-58817591-A-G. GRCh37 (hg19) VCF-style: chr10-60577351-A-G.
Other names: short protein forms M855V.
Identifiers: ClinVar variation 2159993 (VCV002159993.5), dbSNP rs760408201, ClinGen allele CA5508862.